The following is an entry in ClinVar:

ClinVar aggregate classification (germline): Benign/Likely benign. Review status: criteria provided, multiple submitters, no conflicts (2 of 4 stars). 6 submissions from 6 submitters: Benign (2); Likely benign (4). Last evaluated 2026-04-01.

Conditions:
Developmental and epileptic encephalopathy, 69. Also called: EPILEPTIC ENCEPHALOPATHY, EARLY INFANTILE, 69. Identifiers: MedGen C4748988, MONDO:0032657, OMIM 618285.

Allele frequency attached by ClinVar (database versions not stated): gnomAD exomes 0.00027 and 0.00069; ExAC 0.00083; 1000 Genomes Project 30x 0.00250; 1000 Genomes Project 0.00280; gnomAD 0.00307 and 0.00330; ESP Exome Variant Server 0.00334; TOPMed 0.00356.
gnomAD v4.1: 906 of 1,613,984 alleles (0.056%); highest among the groups gnomAD compares: African/African-American, 0.99%; 4 homozygotes.

Submissions (6):

CeGaT Center for Human Genetics Tuebingen
Classification: Likely benign. Last evaluated: 2026-04-01. Review status: criteria provided, single submitter. Criteria: CeGaT Center For Human Genetics Tuebingen Variant Classification Criteria Version 2. Collection method: clinical testing. Allele origin: germline. Affected: yes. Observed: 2 variant alleles.
Comment: CACNA1E: BP4, BS1

Labcorp Genetics (formerly Invitae), Labcorp
Classification: Benign. Last evaluated: 2026-01-31. Review status: criteria provided, single submitter. Criteria: Invitae Variant Classification Sherloc (09022015). Collection method: clinical testing. Allele origin: germline.

Blueprint Genetics
Classification: Likely benign. Last evaluated: 2024-08-15. Review status: criteria provided, single submitter. Criteria: ACMG Guidelines, 2015. Collection method: clinical testing. Allele origin: germline.

Genome-Nilou Lab
Classification: Benign for Developmental and epileptic encephalopathy, 69. Last evaluated: 2023-04-11. Review status: criteria provided, single submitter. Criteria: ACMG Guidelines, 2015. Collection method: clinical testing. Allele origin: germline. Affected: no.

GeneDx
Classification: Likely benign. Last evaluated: 2021-03-29. Review status: criteria provided, single submitter. Criteria: GeneDx Variant Classification Process June 2021. Collection method: clinical testing. Allele origin: germline. Affected: yes.

Breakthrough Genomics
Classification: Likely benign. Review status: criteria provided, single submitter. Criteria: ACMG Guidelines, 2015. Collection method: not provided. Allele origin: germline. Inheritance: Autosomal dominant inheritance. Affected: yes.

NM_001205293.3(CACNA1E):c.1119G>A (p.Gln373=)

Gene: CACNA1E (calcium voltage-gated channel subunit alpha1 E; plus strand). Cytogenetic location: 1q25.3.
Variant type: single nucleotide variant.
Coding change: c.1119G>A on transcript NM_001205293.3 (MANE Select); coding-DNA position 1119, G replaced by A.
Protein change: p.Gln373=; no amino-acid change (glutamine 373 retained).
Molecular consequence: synonymous variant.
Genome position (GRCh38, 1-based): chr1:181,711,017, G>A. VCF-style: chr1-181711017-G-A. GRCh37 (hg19) VCF-style: chr1-181680153-G-A.
Other names: c.1119G>A, p.Gln373= (NM_000721.4, NM_001205294.2).
Identifiers: ClinVar variation 1166199 (VCV001166199.32), dbSNP rs111619313, ClinGen allele CA1275040.